The following is an entry in ClinVar:

NM_002291.3(LAMB1):c.2120dup (p.Met707fs)

Gene: LAMB1 (laminin subunit beta 1; minus strand). Cytogenetic location: 7q31.1.
Variant type: Duplication.
Coding change: c.2120dup on transcript NM_002291.3 (MANE Select); coding-DNA position 2120, one base duplicated (T; older notation c.2120dupT).
Protein change: p.Met707fs; shifts the reading frame from methionine 707.
Molecular consequence: frameshift variant.
Genome position (GRCh38, 1-based): chr7:107,960,639, A duplicated on the plus strand (T on the coding strand, the reverse complement: LAMB1 is on the minus strand). VCF-style (leftmost placement, unchanged base first): chr7-107960638-C-CA. GRCh37 (hg19) VCF-style: chr7-107601083-C-CA.
Other names: short protein forms M707fs.
Identifiers: ClinVar variation 4711876 (VCV004711876.1).
Genomic context (GRCh38, chr7:107,960,638, plus strand): 5'-GGTGACCACCCCATCTCCTGAACCTCCCACGGTGAAGATGTCCAGTGATTTACAGTATGG[C>CA]ATGAGAACAAGCTGTGAAGAAATGAGAACGGCCAAACATCCTTACAGTGGTGCCCCATGG-3'

ClinVar aggregate classification (germline): Pathogenic (1 of 4 stars; one submission).

Submission:

Labcorp Genetics (formerly Invitae), Labcorp
Classification: Pathogenic. Last evaluated: 2025-02-13. Review status: criteria provided, single submitter. Criteria: Invitae Variant Classification Sherloc (09022015). Collection method: clinical testing. Allele origin: germline.
Comment: This sequence change creates a premature translational stop signal (p.Met707Ilefs*5) in the LAMB1 gene. It is expected to result in an absent or disrupted protein product. Loss-of-function variants in LAMB1 are known to be pathogenic (PMID: 23472759, 25925986). This variant is not present in population databases (gnomAD no frequency). This variant has not been reported in the literature in individuals affected with LAMB1-related conditions. For these reasons, this variant has been classified as Pathogenic.

Literature cited by the submitters: PubMed 23472759; PubMed 25925986.